The following is an entry in ClinVar:

ClinVar aggregate classification (germline): Benign. Review status: criteria provided, multiple submitters, no conflicts (2 of 4 stars). 2 submissions from 2 submitters: Benign (2). Last evaluated 2018-01-13.

Conditions:
Caveolinopathy. Identifiers: Orphanet 207078, MedGen C5679790, MONDO:0016146.

Allele frequency attached by ClinVar (database versions not stated): gnomAD 0.01528 and 0.01623; TOPMed 0.01717; 1000 Genomes Project 0.02196; 1000 Genomes Project 30x 0.02374.
gnomAD v4.1: 2,938 of 436,154 alleles (0.67%); highest among the groups gnomAD compares: African/African-American, 5.1%; 87 homozygotes.

Submissions (2):

Illumina Laboratory Services, Illumina
Classification: Benign for Caveolinopathy. Last evaluated: 2018-01-13. Review status: criteria provided, single submitter. Criteria: ICSL Variant Classification Criteria 13 December 2019. Collection method: clinical testing. Allele origin: germline.
Comment: This variant was observed in the ICSL laboratory as part of a predisposition screen in an ostensibly healthy population. It had not been previously curated by ICSL or reported in the Human Gene Mutation Database (HGMD: prior to June 1st, 2018), and was therefore a candidate for classification through an automated scoring system. Utilizing variant allele frequency, disease prevalence and penetrance estimates, and inheritance mode, an automated score was calculated to assess if this variant is too frequent to cause the disease. Based on the score and internal cut-off values, a variant classified as benign is not then subjected to further curation. The score for this variant resulted in a classification of benign for this disease.

GeneDx
Classification: Benign. Last evaluated: 2015-03-03. Review status: criteria provided, single submitter. Criteria: GeneDx Variant Classification Process June 2021. Collection method: clinical testing. Allele origin: germline. Affected: yes.

NM_033337.3(CAV3):c.*276C>T

Genes: CAV3 (caveolin 3; plus strand), OXTR (oxytocin receptor; minus strand). Cytogenetic location: 3p25.3.
Variant type: single nucleotide variant.
Coding change: c.*276C>T on transcript NM_033337.3 (MANE Select); 276 bases downstream of the stop codon, C replaced by T.
Molecular consequence: 3 prime UTR variant.
Genome position (GRCh38, 1-based): chr3:8,746,143, C>T. VCF-style: chr3-8746143-C-T. GRCh37 (hg19) VCF-style: chr3-8787829-C-T.
Other names: c.*180C>T (NM_001234.5).
Identifiers: ClinVar variation 346850 (VCV000346850.6), dbSNP rs77367257, ClinGen allele CA10619711.
Genomic context (GRCh38, chr3:8,746,143, plus strand): 5'-CCCCCATGCCTGGGCGTGGGGGAAGATCATTTGCCAAGAGGCAGCTACTGCAAGTCTTTG[C>T]GTTCACTTGTACTGTAACAACATAAACCAGCACGCGGTTCCCACCCGGGGCCAACCTCTC-3'